The following is an entry in ClinVar:

NM_022916.6(VPS33A):c.484-2406T>C

Gene: VPS33A (VPS33A core subunit of CORVET and HOPS complexes; minus strand). Cytogenetic location: 12q24.31.
Variant type: single nucleotide variant.
Coding change: c.484-2406T>C on transcript NM_022916.6 (MANE Select); 2406 bases into the intron before coding-DNA position 484, T replaced by C.
Molecular consequence: intron variant. On other transcripts: synonymous variant (1).
Genome position (GRCh38, 1-based): chr12:122,253,505, A>G on the plus strand (T>C on the coding strand, the complement: VPS33A is on the minus strand). VCF-style: chr12-122253505-A-G. GRCh37 (hg19) VCF-style: chr12-122738052-A-G.
Other names: c.522T>C, p.Asn174= (NM_001351021.2); c.484-2406T>C (NM_001351020.2); c.451-2406T>C (NM_001351018.2); c.436-2406T>C (NM_001351019.2).
Identifiers: ClinVar variation 3250866 (VCV003250866.18), dbSNP rs1211517419.

ClinVar aggregate classification (germline): Likely benign (1 of 4 stars; one submission).

Submission:

CeGaT Center for Human Genetics Tuebingen
Classification: Likely benign. Last evaluated: 2024-06-01. Review status: criteria provided, single submitter. Criteria: CeGaT Center For Human Genetics Tuebingen Variant Classification Criteria Version 2. Collection method: clinical testing. Allele origin: germline. Affected: yes. Observed: 1 variant allele.
Comment: VPS33A: BP4, BP7